The following is an entry in ClinVar:

NM_181705.4(LYRM7):c.114A>C (p.Glu38Asp)

Gene: LYRM7 (LYR motif containing 7; plus strand). Cytogenetic location: 5q23.3.
Variant type: single nucleotide variant.
Coding change: c.114A>C on transcript NM_181705.4 (MANE Select); coding-DNA position 114, A replaced by C.
Protein change: p.Glu38Asp; replaces glutamic acid 38 with aspartic acid.
Molecular consequence: missense variant.
Genome position (GRCh38, 1-based): chr5:131,182,251, A>C. VCF-style: chr5-131182251-A-C. GRCh37 (hg19) VCF-style: chr5-130517944-A-C.
Other names: p.Glu38Asp; c.114A>C, p.Glu38Asp (NM_001293735.2); short protein forms E38D.
Identifiers: ClinVar variation 716344 (VCV000716344.15), dbSNP rs199715117, ClinGen allele CA3398754.

ClinVar aggregate classification (germline): Benign/Likely benign. Review status: criteria provided, multiple submitters, no conflicts (2 of 4 stars). 5 submissions from 5 submitters: Benign (1); Likely benign (4). Last evaluated 2025-12-12.

Allele frequency attached by ClinVar (database versions not stated): gnomAD exomes 0.00041; ExAC 0.00130; gnomAD 0.00202 and 0.00209; ESP Exome Variant Server 0.00219; TOPMed 0.00233; 1000 Genomes Project 0.00260; 1000 Genomes Project 30x 0.00328.
gnomAD v4.1: 511 of 1,437,246 alleles (0.036%); highest among the groups gnomAD compares: African/African-American, 0.67%; 3 homozygotes.

Submissions (5):

Labcorp Genetics (formerly Invitae), Labcorp
Classification: Benign. Last evaluated: 2025-12-12. Review status: criteria provided, single submitter. Criteria: Invitae Variant Classification Sherloc (09022015). Collection method: clinical testing. Allele origin: germline.

Mayo Clinic Laboratories, Mayo Clinic
Classification: Likely benign. Last evaluated: 2025-04-09. Review status: criteria provided, single submitter. Criteria: ACMG Guidelines, 2015. Collection method: clinical testing. Allele origin: germline. Observed: 4 variant alleles.
Comment: BS1, BP4_moderate

Blueprint Genetics
Classification: Likely benign. Last evaluated: 2023-09-12. Review status: criteria provided, single submitter. Criteria: ACMG Guidelines, 2015. Collection method: clinical testing. Allele origin: germline.

GeneDx
Classification: Likely benign. Last evaluated: 2021-03-23. Review status: criteria provided, single submitter. Criteria: GeneDx Variant Classification Process June 2021. Collection method: clinical testing. Allele origin: germline. Affected: yes.

Breakthrough Genomics
Classification: Likely benign. Review status: criteria provided, single submitter. Criteria: ACMG Guidelines, 2015. Collection method: not provided. Allele origin: germline. Inheritance: Autosomal recessive inheritance. Affected: yes.

Literature cited by the submitters: PubMed 36268271 (cited by Mayo Clinic Laboratories, Mayo Clinic).